The following is an entry in ClinVar:

ClinVar aggregate classification (germline): Likely benign. Review status: criteria provided, multiple submitters, no conflicts (2 of 4 stars). 3 submissions from 3 submitters: Likely benign (3). Last evaluated 2023-08-28.

Conditions:
Hereditary cancer-predisposing syndrome. Also called: Tumor predisposition; Hereditary neoplastic syndrome; Neoplastic Syndromes, Hereditary; Hereditary Cancer Syndrome. Identifiers: Orphanet 140162, MedGen C0027672, MeSH D009386, MONDO:0015356.
Retinoblastoma (RB1). Also called: RETINOBLASTOMA, SOMATIC. Identifiers: Orphanet 790, MedGen C0035335, MeSH D012175, MONDO:0008380, OMIM 180200, HP:0009919. Disease mechanism: loss of function. Inheritance: Both sporadic and heritable forms are tested..

Submissions (3):

All of Us Research Program, National Institutes of Health
Classification: Likely benign for Retinoblastoma. Last evaluated: 2023-08-28. Review status: criteria provided, single submitter. Criteria: ACMG Guidelines, 2015. Collection method: clinical testing. Allele origin: germline. Inheritance: Autosomal dominant inheritance. Observed: 1 variant allele, 1 heterozygote.
Comment: This study involves interpretation of variants in research participants for the purpose of population health screening. Participant phenotype was not available at the time of variant classification. Additional details can be found in publication PMID: 35346344, PMCID: PMC8962531

Labcorp Genetics (formerly Invitae), Labcorp
Classification: Likely benign for Retinoblastoma. Last evaluated: 2023-05-01. Review status: criteria provided, single submitter. Criteria: Invitae Variant Classification Sherloc (09022015). Collection method: clinical testing. Allele origin: germline.

Ambry Genetics
Classification: Likely benign for Hereditary cancer-predisposing syndrome. Last evaluated: 2021-06-28. Review status: criteria provided, single submitter. Criteria: Ambry Variant Classification Scheme 2023. Collection method: clinical testing. Allele origin: germline.

NM_000321.3(RB1):c.2133A>T (p.Ile711=)

Gene: RB1 (RB transcriptional corepressor 1; plus strand). Cytogenetic location: 13q14.2.
Variant type: single nucleotide variant.
Coding change: c.2133A>T on transcript NM_000321.3 (MANE Select); coding-DNA position 2133, A replaced by T.
Protein change: p.Ile711=; no amino-acid change (isoleucine 711 retained).
Molecular consequence: synonymous variant.
Genome position (GRCh38, 1-based): chr13:48,463,757, A>T. VCF-style: chr13-48463757-A-T. GRCh37 (hg19) VCF-style: chr13-49037893-A-T.
Identifiers: ClinVar variation 1591100 (VCV001591100.11), dbSNP rs2138342328, ClinGen allele CA483559149.